The following is an entry in ClinVar:

ClinVar aggregate classification (germline): Uncertain significance. Review status: criteria provided, multiple submitters, no conflicts (2 of 4 stars). 3 submissions from 3 submitters: Uncertain significance (3). Last evaluated 2025-08-05.

Conditions:
Rubinstein-Taybi syndrome due to EP300 haploinsufficiency. Also called: EP300-Related Rubinstein-Taybi Syndrome; RUBINSTEIN-TAYBI SYNDROME 2. Identifiers: Orphanet 353284, Orphanet 783, MedGen C3150941, MONDO:0013364, OMIM 613684.
EP300-related disorder. Also called: EP300-related condition; EP300-related disorders.

Allele frequency attached by ClinVar (database versions not stated): gnomAD exomes below 0.00001; ExAC 0.00001.
gnomAD v4.1: 2 of 1,614,040 alleles (0.00012%); highest among the groups gnomAD compares: Admixed American, 0.0017%; no homozygotes.

Submissions (3):

PreventionGenetics, part of Exact Sciences
Classification: Uncertain significance for EP300-related condition. Last evaluated: 2025-08-05. Review status: criteria provided, single submitter. Criteria: ACMG Guidelines, 2015. Collection method: clinical testing. Allele origin: germline.
Comment: The EP300 c.301G>A variant is predicted to result in the amino acid substitution p.Gly101Ser. To our knowledge, this variant has not been reported in the literature. This variant is reported in 0.00088% of alleles in individuals of European (Non-Finnish) descent in gnomAD. At this time, the clinical significance of this variant is uncertain due to the absence of conclusive functional and genetic evidence.

New York Genome Center
Classification: Uncertain significance for Rubinstein-Taybi syndrome due to EP300 haploinsufficiency. Last evaluated: 2021-02-09. Review status: criteria provided, single submitter. Criteria: NYGC Assertion Criteria 2020. Collection method: clinical testing. Allele origin: inherited. Observed: 1 heterozygote. Study: CSER-NYCKidSeq.

GeneDx
Classification: Uncertain significance. Last evaluated: 2019-09-05. Review status: criteria provided, single submitter. Criteria: GeneDx Variant Classification Process June 2021. Collection method: clinical testing. Allele origin: germline. Affected: yes.
Comment: In silico analysis, which includes protein predictors and evolutionary conservation, supports that this variant does not alter protein structure/function; Has not been previously published as pathogenic or benign to our knowledge

NM_001429.4(EP300):c.301G>A (p.Gly101Ser)

Gene: EP300 (EP300 lysine acetyltransferase; plus strand). Cytogenetic location: 22q13.2.
Variant type: single nucleotide variant.
Coding change: c.301G>A on transcript NM_001429.4 (MANE Select); coding-DNA position 301, G replaced by A.
Protein change: p.Gly101Ser; replaces glycine 101 with serine.
Molecular consequence: missense variant.
Genome position (GRCh38, 1-based): chr22:41,117,393, G>A. VCF-style: chr22-41117393-G-A. GRCh37 (hg19) VCF-style: chr22-41513397-G-A.
Other names: c.301G>A, p.Gly101Ser (NM_001362843.2); short protein forms G101S.
Identifiers: ClinVar variation 1310909 (VCV001310909.4), dbSNP rs762557708, ClinGen allele CA10252224.